The following is an entry in ClinVar:

NM_019098.4(CNGB3):c.*1639C>A

Gene: CNGB3 (cyclic nucleotide gated channel subunit beta 3; minus strand). Cytogenetic location: 8q21.3.
Variant type: single nucleotide variant.
Coding change: c.*1639C>A on transcript NM_019098.4; 1639 bases downstream of the stop codon, C replaced by A.
Genome position (GRCh38, 1-based): chr8:86,574,165, G>T on the plus strand (C>A on the coding strand, the complement: CNGB3 is on the minus strand). VCF-style: chr8-86574165-G-T. GRCh37 (hg19) VCF-style: chr8-87586393-G-T.
Identifiers: ClinVar variation 363844 (VCV000363844.8), dbSNP rs990192, ClinGen allele CA10625864.

ClinVar aggregate classification (germline): Benign. Review status: criteria provided, multiple submitters, no conflicts (2 of 4 stars). 3 submissions from 2 submitters: Benign (3). Last evaluated 2018-01-13.

Conditions:
Severe early-childhood-onset retinal dystrophy (STGD1). Also called: Stargardt macular dystrophy; Juvenile onset macular degeneration; Stargardt disease 1; MACULAR DYSTROPHY WITH FLECKS, TYPE 1; STGD. Identifiers: Orphanet 364055, Orphanet 827, MedGen C1855465, MeSH D000080362, MONDO:0009549, OMIM 248200.
Achromatopsia 3 (ACHM3). Also called: PINGELAPESE BLINDNESS; TOTAL COLORBLINDNESS WITH MYOPIA; ROD MONOCHROMACY 1; ROD MONOCHROMATISM 1; ACHROMATOPSIA WITH MYOPIA. Identifiers: Orphanet 49382, MedGen C1849792, MONDO:0009875, OMIM 262300.

Allele frequency attached by ClinVar (database versions not stated): 1000 Genomes Project 0.53674; TOPMed 0.57913; 1000 Genomes Project 30x 0.53123; gnomAD exomes 1.00000; gnomAD 0.58635 and 0.59012.

Submissions (3):

Illumina Laboratory Services, Illumina
Classification: Benign for Severe early-childhood-onset retinal dystrophy. Last evaluated: 2018-01-13. Review status: criteria provided, single submitter. Criteria: ICSL Variant Classification Criteria 13 December 2019. Collection method: clinical testing. Allele origin: germline.
Comment: This variant was observed in the ICSL laboratory as part of a predisposition screen in an ostensibly healthy population. It had not been previously curated by ICSL or reported in the Human Gene Mutation Database (HGMD: prior to June 1st, 2018), and was therefore a candidate for classification through an automated scoring system. Utilizing variant allele frequency, disease prevalence and penetrance estimates, and inheritance mode, an automated score was calculated to assess if this variant is too frequent to cause the disease. Based on the score and internal cut-off values, a variant classified as benign is not then subjected to further curation. The score for this variant resulted in a classification of benign for this disease.

Illumina Laboratory Services, Illumina
Classification: Benign for Achromatopsia 3. Last evaluated: 2018-01-13. Review status: criteria provided, single submitter. Criteria: ICSL Variant Classification Criteria 13 December 2019. Collection method: clinical testing. Allele origin: germline.
Comment: the same text as in the submission from Illumina Laboratory Services, Illumina above.

Breakthrough Genomics
Classification: Benign. Review status: criteria provided, single submitter. Criteria: ACMG Guidelines, 2015. Collection method: not provided. Allele origin: germline. Inheritance: Autosomal recessive inheritance. Affected: yes.